The following is an entry in ClinVar:

ClinVar aggregate classification (germline): Likely benign. Review status: criteria provided, single submitter (1 of 4 stars). 2 submissions from 2 submitters: Likely benign (1). 1 of the submissions does not count toward it. Last evaluated 2018-06-13.

Conditions:
FARS2-related disorder. Also called: FARS2-related disorders; FARS2-related condition.
Combined oxidative phosphorylation defect type 14. Also called: Combined oxidative phosphorylation deficiency 14. Identifiers: Orphanet 319519, MedGen C4755312, MONDO:0013986, OMIM 614946.

Submissions (2):

Wong Mito Lab, Molecular and Human Genetics, Baylor College of Medicine
Classification: Likely benign for Combined oxidative phosphorylation deficiency 14. Last evaluated: 2018-06-13. Review status: criteria provided, single submitter. Criteria: ACMG Guidelines, 2015. Collection method: clinical testing. Allele origin: germline.

PreventionGenetics, part of Exact Sciences
Classification: Likely benign for FARS2-related condition. Last evaluated: 2023-05-11. Review status: no assertion criteria provided. Collection method: clinical testing. Allele origin: germline. Not counted in ClinVar's aggregate classification.
Comment: This variant is classified as likely benign based on ACMG/AMP sequence variant interpretation guidelines (Richards et al. 2015 PMID: 25741868, with internal and published modifications).

NM_006567.5(FARS2):c.390C>A (p.Leu130=)

Genes: FARS2 (phenylalanyl-tRNA synthetase 2, mitochondrial; plus strand), LOC126859565 (CDK7 strongly-dependent group 2 enhancer GRCh37_chr6:5368745-5369944; plus strand). Cytogenetic location: 6p25.1.
Variant type: single nucleotide variant.
Coding change: c.390C>A on transcript NM_006567.5 (MANE Select); coding-DNA position 390, C replaced by A.
Protein change: p.Leu130=; no amino-acid change (leucine 130 retained).
Molecular consequence: synonymous variant. On other transcripts: intron variant (2).
Genome position (GRCh38, 1-based): chr6:5,368,960, C>A. VCF-style: chr6-5368960-C-A. GRCh37 (hg19) VCF-style: chr6-5369193-C-A.
Other names: c.390C>A, p.Leu130= (NM_001318872.2, NM_001374875.1, NM_001374876.1 and 5 more transcripts); c.-340-27673C>A (NM_001375260.1); c.-84-35582C>A (NM_001375259.1).
Identifiers: ClinVar variation 587651 (VCV000587651.3), dbSNP rs767424737, ClinGen allele CA448721168.